The following is an entry in ClinVar:

NM_001134407.3(GRIN2A):c.1465G>A (p.Val489Ile)

Gene: GRIN2A (glutamate ionotropic receptor NMDA type subunit 2A; minus strand). Cytogenetic location: 16p13.2.
Variant type: single nucleotide variant.
Coding change: c.1465G>A on transcript NM_001134407.3 (MANE Select); coding-DNA position 1465, G replaced by A.
Protein change: p.Val489Ile; replaces valine 489 with isoleucine.
Molecular consequence: missense variant.
Genome position (GRCh38, 1-based): chr16:9,840,968, C>T on the plus strand (G>A on the coding strand, the complement: GRIN2A is on the minus strand). VCF-style: chr16-9840968-C-T. GRCh37 (hg19) VCF-style: chr16-9934825-C-T.
Other names: c.1465G>A, p.Val489Ile (NM_000833.5, NM_001134408.2); short protein forms V489I.
Identifiers: ClinVar variation 5009277 (VCV005009277.1).
Genomic context (GRCh38, chr16:9,840,968, plus strand): 5'-GAGCCTAGGGGATGAAAAGATAACTTACTTCACCGATCATTCCATTCCACACATTGTTAA[C>T]TTTCTTGCCATGCTTCCCATTGGTCACCAGATAGAGGTCGTAAGTAAACTTCACAGTTCT-3'
Protein context (NP_001127879.1, residues 479-499): LVTNGKHGKK[Val489Ile]NNVWNGMIGE

ClinVar aggregate classification (germline): Uncertain significance (1 of 4 stars; one submission).

Submission:

GeneDx
Classification: Uncertain significance. Last evaluated: 2026-03-16. Review status: criteria provided, single submitter. Criteria: GeneDx Variant Classification Process June 2021. Collection method: clinical testing. Allele origin: germline.
Comment: Not observed at significant frequency in large population cohorts (gnomAD); In silico analysis suggests that this missense variant does not alter protein structure/function; Has not been previously published as pathogenic or benign to our knowledge; This variant is associated with the following publications: (PMID: 27839871)